The following is an entry in ClinVar:

NM_017849.4(TMEM127):c.365C>T (p.Ala122Val)

Gene: TMEM127 (transmembrane protein 127; minus strand). Cytogenetic location: 2q11.2.
Variant type: single nucleotide variant.
Coding change: c.365C>T on transcript NM_017849.4 (MANE Select); coding-DNA position 365, C replaced by T.
Protein change: p.Ala122Val; replaces alanine 122 with valine.
Molecular consequence: missense variant.
Genome position (GRCh38, 1-based): chr2:96,254,877, G>A on the plus strand (C>T on the coding strand, the complement: TMEM127 is on the minus strand). VCF-style: chr2-96254877-G-A. GRCh37 (hg19) VCF-style: chr2-96920615-G-A.
Other names: c.365C>T, p.Ala122Val (NM_001193304.3); c.113C>T, p.Ala38Val (NM_001407282.1, NM_001407283.1); short protein forms A122V, A38V.
Identifiers: ClinVar variation 1719374 (VCV001719374.5), dbSNP rs2467266233, ClinGen allele CA347653331.

ClinVar aggregate classification (germline): Uncertain significance (1 of 4 stars; one submission).

Conditions:
Hereditary pheochromocytoma and paraganglioma. Also called: Hereditary pheochromocytoma-paraganglioma; Hereditary paragangliomas and pheochromocytomas; Hereditary Paraganglioma-Pheochromocytoma Syndromes. Identifiers: Orphanet 29072, MedGen C4274332, MONDO:0017366.

Allele frequency attached by ClinVar (database versions not stated): gnomAD exomes below 0.00001.
gnomAD v4.1: 1 of 1,614,146 alleles (0.000062%); highest among the groups gnomAD compares: Non-Finnish European, 0.000085%; no homozygotes.

Submission:

Labcorp Genetics (formerly Invitae), Labcorp
Classification: Uncertain significance for Hereditary pheochromocytoma and paraganglioma. Last evaluated: 2023-11-15. Review status: criteria provided, single submitter. Criteria: Invitae Variant Classification Sherloc (09022015). Collection method: clinical testing. Allele origin: germline.
Comment: This sequence change replaces alanine, which is neutral and non-polar, with valine, which is neutral and non-polar, at codon 122 of the TMEM127 protein (p.Ala122Val). This variant is not present in population databases (gnomAD no frequency). This variant has not been reported in the literature in individuals affected with TMEM127-related conditions. ClinVar contains an entry for this variant (Variation ID: 1719374). An algorithm developed to predict the effect of missense changes on protein structure and function (PolyPhen-2) suggests that this variant is likely to be tolerated. In summary, the available evidence is currently insufficient to determine the role of this variant in disease. Therefore, it has been classified as a Variant of Uncertain Significance.